The following is an entry in ClinVar:

ClinVar aggregate classification (germline): Uncertain significance (1 of 4 stars; one submission).

gnomAD v4.1: 26 of 1,613,946 alleles (0.0016%); highest among the groups gnomAD compares: Non-Finnish European, 0.0021%; no homozygotes.

Submission:

GeneDx
Classification: Uncertain significance. Last evaluated: 2026-03-06. Review status: criteria provided, single submitter. Criteria: GeneDx Variant Classification Process June 2021. Collection method: clinical testing. Allele origin: germline.
Comment: Not observed at significant frequency in large population cohorts (gnomAD); In silico analysis suggests that this missense variant does not alter protein structure/function; Has not been previously published as pathogenic or benign to our knowledge

NM_006580.4(CLDN16):c.-95A>T

Gene: CLDN16 (claudin 16; plus strand). Cytogenetic location: 3q28.
Variant type: single nucleotide variant.
Coding change: c.-95A>T on transcript NM_006580.4 (MANE Select); 95 bases upstream of the start codon, A replaced by T.
Molecular consequence: 5 prime UTR variant. On other transcripts: splice acceptor variant (2).
Genome position (GRCh38, 1-based): chr3:190,388,235, A>T. VCF-style: chr3-190388235-A-T. GRCh37 (hg19) VCF-style: chr3-190106024-A-T.
Other names: c.-93-2A>T (NM_001378492.1, NM_001378493.1).
Identifiers: ClinVar variation 5008449 (VCV005008449.1).